The following is an entry in ClinVar:

NM_004380.3(CREBBP):c.5666C>T (p.Pro1889Leu)

Gene: CREBBP (CREB binding lysine acetyltransferase; minus strand). Cytogenetic location: 16p13.3.
Variant type: single nucleotide variant.
Coding change: c.5666C>T on transcript NM_004380.3 (MANE Select); coding-DNA position 5666, C replaced by T.
Protein change: p.Pro1889Leu; replaces proline 1889 with leucine.
Molecular consequence: missense variant.
Genome position (GRCh38, 1-based): chr16:3,729,381, G>A on the plus strand (C>T on the coding strand, the complement: CREBBP is on the minus strand). VCF-style: chr16-3729381-G-A. GRCh37 (hg19) VCF-style: chr16-3779382-G-A.
Other names: c.5552C>T, p.Pro1851Leu (NM_001079846.1); short protein forms P1889L, P1851L.
Identifiers: ClinVar variation 588962 (VCV000588962.9), dbSNP rs143180774, ClinGen allele CA7869261.
Genomic context (GRCh38, chr16:3,729,381, plus strand): 5'-GGCTGGGCAGGGGGCTGCGGCGTCTGGGGTGTGCTGGGCTGCTGTGTGGGGGTCCCGGGC[G>A]GTGCTGAGGTAGGAGAAGGCAGACTCTGCTGAGGCACGTTGCGGGTGTTCATGGTGGCCA-3'
Protein context (NP_004371.2, residues 1879-1899): QQSLPSPTSA[Pro1889Leu]PGTPTQQPST

ClinVar aggregate classification (germline): Conflicting classifications of pathogenicity. Review status: criteria provided, conflicting classifications (1 of 4 stars). 3 submissions from 3 submitters: Uncertain significance (1); Benign (1); Likely benign (1). Last evaluated 2024-08-15.

Conditions:
Inborn genetic diseases. Identifiers: MedGen C0950123, MeSH D030342.
Rubinstein-Taybi syndrome (RSTS). Identifiers: Orphanet 783, MedGen C0035934, MONDO:0019188.
CREBBP-related disorder. Also called: CREBBP-related disorders; CREBBP-related condition.

Allele frequency attached by ClinVar (database versions not stated): gnomAD exomes 0.00002 and 0.00004; ExAC 0.00003; gnomAD 0.00003 and 0.00004; TOPMed 0.00004; ESP Exome Variant Server 0.00008.
gnomAD v4.1: 32 of 1,610,094 alleles (0.002%); highest among the groups gnomAD compares: African/African-American, 0.0093%; no homozygotes.

Submissions (3):

Labcorp Genetics (formerly Invitae), Labcorp
Classification: Benign for Rubinstein-Taybi syndrome. Last evaluated: 2024-08-15. Review status: criteria provided, single submitter. Criteria: Invitae Variant Classification Sherloc (09022015). Collection method: clinical testing. Allele origin: germline.

PreventionGenetics, part of Exact Sciences
Classification: Uncertain significance for CREBBP-related condition. Last evaluated: 2022-08-23. Review status: criteria provided, single submitter. Criteria: ACMG Guidelines, 2015. Collection method: clinical testing. Allele origin: germline.
Comment: The CREBBP c.5666C>T variant is predicted to result in the amino acid substitution p.Pro1889Leu. To our knowledge, this variant has not been reported in the literature. This variant is reported in 0.031% of alleles in individuals of African descent in gnomAD. Although we suspect that this variant may be benign, at this time, the clinical significance of this variant is uncertain due to the absence of conclusive functional and genetic evidence.

Ambry Genetics
Classification: Likely benign for Inborn genetic diseases. Last evaluated: 2018-06-23. Review status: criteria provided, single submitter. Criteria: Ambry Variant Classification Scheme 2023. Collection method: clinical testing. Allele origin: germline.